The following is an entry in ClinVar:

NM_000245.4(MET):c.260G>A (p.Gly87Glu)

Gene: MET (MET proto-oncogene, receptor tyrosine kinase; plus strand). Cytogenetic location: 7q31.2.
Variant type: single nucleotide variant.
Coding change: c.260G>A on transcript NM_000245.4 (MANE Select); coding-DNA position 260, G replaced by A.
Protein change: p.Gly87Glu; replaces glycine 87 with glutamic acid.
Molecular consequence: missense variant. On other transcripts: intron variant (1).
Genome position (GRCh38, 1-based): chr7:116,699,344, G>A. VCF-style: chr7-116699344-G-A. GRCh37 (hg19) VCF-style: chr7-116339398-G-A.
Other names: c.260G>A, p.Gly87Glu (NM_001127500.3, NM_001324401.3); c.-91+26767G>A (NM_001324402.2); short protein forms G87E.
Identifiers: ClinVar variation 3232938 (VCV003232938.1), dbSNP rs2116584210, ClinGen allele CA368968684.

ClinVar aggregate classification (germline): Uncertain significance (1 of 4 stars; one submission).

Conditions:
Hereditary cancer-predisposing syndrome. Also called: Neoplastic Syndromes, Hereditary; Tumor predisposition; Hereditary neoplastic syndrome; Hereditary Cancer Syndrome. Identifiers: Orphanet 140162, MedGen C0027672, MeSH D009386, MONDO:0015356.

Allele frequency attached by ClinVar (database versions not stated): gnomAD exomes below 0.00001.
gnomAD v4.1: 2 of 1,613,970 alleles (0.00012%); highest among the groups gnomAD compares: Non-Finnish European, 0.00017%; no homozygotes.

Submission:

Ambry Genetics
Classification: Uncertain significance for Hereditary cancer-predisposing syndrome. Last evaluated: 2023-11-16. Review status: criteria provided, single submitter. Criteria: Ambry Variant Classification Scheme 2023. Collection method: clinical testing. Allele origin: germline.
Comment: The p.G87E variant (also known as c.260G>A), located in coding exon 1 of the MET gene, results from a G to A substitution at nucleotide position 260. The glycine at codon 87 is replaced by glutamic acid, an amino acid with similar properties. This amino acid position is conserved. In addition, this alteration is predicted to be deleterious by in silico analysis. Since supporting evidence is limited at this time, the clinical significance of this alteration remains unclear.